The following is an entry in ClinVar:

NM_001849.4(COL6A2):c.1498G>C (p.Asp500His)

Gene: COL6A2 (collagen type VI alpha 2 chain; plus strand). Cytogenetic location: 21q22.3.
Variant type: single nucleotide variant.
Coding change: c.1498G>C on transcript NM_001849.4 (MANE Select); coding-DNA position 1498, G replaced by C.
Protein change: p.Asp500His; replaces aspartic acid 500 with histidine.
Molecular consequence: missense variant.
Genome position (GRCh38, 1-based): chr21:46,121,595, G>C. VCF-style: chr21-46121595-G-C. GRCh37 (hg19) VCF-style: chr21-47541509-G-C.
Other names: c.1498G>C, p.Asp500His (NM_058174.3, NM_058175.3); short protein forms D500H.
Identifiers: ClinVar variation 285450 (VCV000285450.21), dbSNP rs770222615, ClinGen allele CA10071919.

ClinVar aggregate classification (germline): Uncertain significance. Review status: criteria provided, multiple submitters, no conflicts (2 of 4 stars). 6 submissions from 6 submitters: Uncertain significance (6). Last evaluated 2026-01-15.

Conditions:
COL6A2-related disorder.
Bethlem myopathy 1A. Also called: MYOPATHY, BENIGN CONGENITAL, WITH CONTRACTURES; Bethlem myopathy 1; Bethlem Muscular Dystrophy. Identifiers: Orphanet 610, MedGen CN029274, MONDO:0024530, OMIM 158810.
Ullrich congenital muscular dystrophy 1B (UCMD1B). Identifiers: MedGen C5935582, MONDO:0958235, OMIM 620727.

Allele frequency attached by ClinVar (database versions not stated): ExAC 0.00001; gnomAD exomes 0.00001.
gnomAD v4.1: 10 of 1,612,810 alleles (0.00062%); highest among the groups gnomAD compares: Middle Eastern, 0.05%; no homozygotes.

Submissions (6):

PreventionGenetics, part of Exact Sciences
Classification: Uncertain significance for COL6A2-related condition. Last evaluated: 2026-01-15. Review status: criteria provided, single submitter. Criteria: ACMG Guidelines, 2015. Collection method: clinical testing. Allele origin: germline.
Comment: The COL6A2 c.1498G>C variant is predicted to result in the amino acid substitution p.Asp500His. To our knowledge, this variant has not been reported in the literature. This variant is reported in 0.0027% of alleles in individuals of European (Non-Finnish) descent in gnomAD. At this time, the clinical significance of this variant is uncertain due to the absence of conclusive functional and genetic evidence.

Labcorp Genetics (formerly Invitae), Labcorp
Classification: Uncertain significance for Bethlem myopathy 1A. Last evaluated: 2025-10-23. Review status: criteria provided, single submitter. Criteria: Invitae Variant Classification Sherloc (09022015). Collection method: clinical testing. Allele origin: germline.
Comment: This sequence change replaces aspartic acid, which is acidic and polar, with histidine, which is basic and polar, at codon 500 of the COL6A2 protein (p.Asp500His). This variant is present in population databases (rs770222615, gnomAD 0.002%). This variant has not been reported in the literature in individuals affected with COL6A2-related conditions. ClinVar contains an entry for this variant (Variation ID: 285450). Invitae Evidence Modeling of protein sequence and biophysical properties (such as structural, functional, and spatial information, amino acid conservation, physicochemical variation, residue mobility, and thermodynamic stability) has been performed for this missense variant. However, the output from this modeling did not meet the statistical confidence thresholds required to predict the impact of this variant on COL6A2 protein function. In summary, the available evidence is currently insufficient to determine the role of this variant in disease. Therefore, it has been classified as a Variant of Uncertain Significance.

Genomic Medicine Center of Excellence, King Faisal Specialist Hospital and Research Centre
Classification: Uncertain significance for Ullrich congenital muscular dystrophy 1B. Last evaluated: 2024-03-25. Review status: criteria provided, single submitter. Criteria: ACMG Guidelines, 2015. Collection method: research. Allele origin: germline.

Revvity Omics, Revvity
Classification: Uncertain significance. Last evaluated: 2023-06-30. Review status: criteria provided, single submitter. Criteria: ACMG Guidelines, 2015. Collection method: clinical testing. Allele origin: germline.

Blueprint Genetics
Classification: Uncertain significance. Last evaluated: 2020-05-12. Review status: criteria provided, single submitter. Criteria: ACMG Guidelines, 2015. Collection method: clinical testing. Allele origin: germline.

Eurofins Ntd Llc (ga)
Classification: Uncertain significance. Last evaluated: 2016-01-06. Review status: criteria provided, single submitter. Criteria: EGL Classification Definitions 2015. Collection method: clinical testing. Allele origin: germline. Observed: 1 variant allele, 1 heterozygote.